The following is an entry in ClinVar:

ClinVar aggregate classification (germline): Likely benign. Review status: criteria provided, multiple submitters, no conflicts (2 of 4 stars). 3 submissions from 3 submitters: Likely benign (3). Last evaluated 2025-10-03.

gnomAD v4.1: 4 of 1,526,656 alleles (0.00026%); highest among the groups gnomAD compares: Non-Finnish European, 0.00035%; no homozygotes.

Submissions (3):

Mayo Clinic Laboratories, Mayo Clinic
Classification: Likely benign. Last evaluated: 2025-10-03. Review status: criteria provided, single submitter. Criteria: ACMG Guidelines, 2015. Collection method: clinical testing. Allele origin: germline. Observed: 2 variant alleles.
Comment: BP4, BP7

CeGaT Center for Human Genetics Tuebingen
Classification: Likely benign. Last evaluated: 2024-02-01. Review status: criteria provided, single submitter. Criteria: CeGaT Center For Human Genetics Tuebingen Variant Classification Criteria Version 2. Collection method: clinical testing. Allele origin: germline. Affected: yes. Observed: 1 variant allele.
Comment: NOTCH3: BP4, BP7

Labcorp Genetics (formerly Invitae), Labcorp
Classification: Likely benign. Last evaluated: 2022-08-31. Review status: criteria provided, single submitter. Criteria: Invitae Variant Classification Sherloc (09022015). Collection method: clinical testing. Allele origin: germline.

NM_000435.3(NOTCH3):c.6288G>T (p.Ser2096=)

Gene: NOTCH3 (notch receptor 3; minus strand). Cytogenetic location: 19p13.12.
Variant type: single nucleotide variant.
Coding change: c.6288G>T on transcript NM_000435.3 (MANE Select); coding-DNA position 6288, G replaced by T.
Protein change: p.Ser2096=; no amino-acid change (serine 2096 retained).
Molecular consequence: synonymous variant.
Genome position (GRCh38, 1-based): chr19:15,161,340, C>A on the plus strand (G>T on the coding strand, the complement: NOTCH3 is on the minus strand). VCF-style: chr19-15161340-C-A. GRCh37 (hg19) VCF-style: chr19-15272151-C-A.
Other names: p.Ser2096=.
Identifiers: ClinVar variation 1613216 (VCV001613216.31), dbSNP rs780963644, ClinGen allele CA506076393.